The following is an entry in ClinVar:

NM_182961.4(SYNE1):c.3188T>C (p.Val1063Ala)

Gene: SYNE1 (spectrin repeat containing nuclear envelope protein 1; minus strand). Cytogenetic location: 6q25.2.
Variant type: single nucleotide variant.
Coding change: c.3188T>C on transcript NM_182961.4 (MANE Select); coding-DNA position 3188, T replaced by C.
Protein change: p.Val1063Ala; replaces valine 1063 with alanine.
Molecular consequence: missense variant.
Genome position (GRCh38, 1-based): chr6:152,450,832, A>G on the plus strand (T>C on the coding strand, the complement: SYNE1 is on the minus strand). VCF-style: chr6-152450832-A-G. GRCh37 (hg19) VCF-style: chr6-152771967-A-G.
Other names: c.3209T>C, p.Val1070Ala (NM_033071.5); short protein forms V1063A, V1070A.
Identifiers: ClinVar variation 196047 (VCV000196047.80), dbSNP rs141464488, ClinGen allele CA202109.

ClinVar aggregate classification (germline): Benign/Likely benign. Review status: criteria provided, multiple submitters, no conflicts (2 of 4 stars). 11 submissions from 10 submitters: Benign (3); Likely benign (8). Last evaluated 2026-06-01.

Conditions:
Autosomal recessive ataxia, Beauce type. Also called: SYNE1-Related Autosomal Recessive Cerebellar Ataxia; ATAXIA, RECESSIVE, OF BEAUCE; SYNE1 Deficiency; Spinocerebellar ataxia, autosomal recessive 8. Identifiers: Orphanet 88644, MedGen C1853116, MONDO:0012549, OMIM 610743.
Emery-Dreifuss muscular dystrophy 4, autosomal dominant (EDMD4). Also called: EMERY-DREIFUSS MUSCULAR DYSTROPHY 4 WITH VARIABLE FEATURES. Identifiers: Orphanet 261, MedGen C2751807, MONDO:0013071, OMIM 612998.

Allele frequency attached by ClinVar (database versions not stated): 1000 Genomes Project 0.00080; 1000 Genomes Project 30x 0.00094; ExAC 0.00219; gnomAD exomes 0.00244; gnomAD 0.00330 and 0.00359; TOPMed 0.00346; ESP Exome Variant Server 0.00461.
gnomAD v4.1: 7,957 of 1,613,814 alleles (0.49%); highest among the groups gnomAD compares: Non-Finnish European, 0.62%; 20 homozygotes.

Submissions (11):

CeGaT Center for Human Genetics Tuebingen
Classification: Likely benign. Last evaluated: 2026-06-01. Review status: criteria provided, single submitter. Criteria: CeGaT Center For Human Genetics Tuebingen Variant Classification Criteria Version 2. Collection method: clinical testing. Allele origin: germline. Affected: yes. Observed: 31 variant alleles.
Comment: SYNE1: BP4, BS2

Labcorp Genetics (formerly Invitae), Labcorp
Classification: Likely benign for Emery-Dreifuss muscular dystrophy 4, autosomal dominant; Autosomal recessive ataxia, Beauce type. Last evaluated: 2026-02-02. Review status: criteria provided, single submitter. Criteria: Invitae Variant Classification Sherloc (09022015). Collection method: clinical testing. Allele origin: germline.

Blueprint Genetics
Classification: Likely benign. Last evaluated: 2024-11-20. Review status: criteria provided, single submitter. Criteria: ACMG Guidelines, 2015. Collection method: clinical testing. Allele origin: germline.

Mayo Clinic Laboratories, Mayo Clinic
Classification: Benign. Last evaluated: 2024-11-08. Review status: criteria provided, single submitter. Criteria: ACMG Guidelines, 2015. Collection method: clinical testing. Allele origin: germline. Observed: 8 variant alleles.
Comment: BS1, BS2, BP5

GeneDx
Classification: Likely benign. Last evaluated: 2020-02-04. Review status: criteria provided, single submitter. Criteria: GeneDx Variant Classification Process June 2021. Collection method: clinical testing. Allele origin: germline. Affected: yes.
Comment: This variant is associated with the following publications: (PMID: 25133958, 28818390, 29915382)

ARUP Laboratories, Molecular Genetics and Genomics, ARUP Laboratories
Classification: Likely benign. Last evaluated: 2019-03-08. Review status: criteria provided, single submitter. Criteria: ARUP Molecular Germline Variant Investigation Process. Collection method: clinical testing. Allele origin: germline.

Athena Diagnostics
Classification: Benign. Last evaluated: 2018-10-29. Review status: criteria provided, single submitter. Criteria: Athena Diagnostics Criteria. Collection method: clinical testing. Allele origin: germline.

Illumina Laboratory Services, Illumina
Classification: Benign for Emery-Dreifuss muscular dystrophy 4, autosomal dominant. Last evaluated: 2018-01-13. Review status: criteria provided, single submitter. Criteria: ICSL Variant Classification Criteria 13 December 2019. Collection method: clinical testing. Allele origin: germline.
Comment: This variant was observed in the ICSL laboratory as part of a predisposition screen in an ostensibly healthy population. It had not been previously curated by ICSL or reported in the Human Gene Mutation Database (HGMD: prior to June 1st, 2018), and was therefore a candidate for classification through an automated scoring system. Utilizing variant allele frequency, disease prevalence and penetrance estimates, and inheritance mode, an automated score was calculated to assess if this variant is too frequent to cause the disease. Based on the score and internal cut-off values, a variant classified as benign is not then subjected to further curation. The score for this variant resulted in a classification of benign for this disease.

Illumina Laboratory Services, Illumina
Classification: Likely benign for Autosomal recessive ataxia, Beauce type. Last evaluated: 2018-01-13. Review status: criteria provided, single submitter. Criteria: ICSL Variant Classification Criteria 13 December 2019. Collection method: clinical testing. Allele origin: germline.
Comment: This variant was observed in the ICSL laboratory as part of a predisposition screen in an ostensibly healthy population. It had not been previously curated by ICSL or reported in the Human Gene Mutation Database (HGMD: prior to June 1st, 2018), and was therefore a candidate for classification through an automated scoring system. Utilizing variant allele frequency, disease prevalence and penetrance estimates, and inheritance mode, an automated score was calculated to assess if this variant is too frequent to cause the disease. Based on the score and internal cut-off values, a variant classified as likely benign is not then subjected to further curation. The score for this variant resulted in a classification of likely benign for this disease.

Genetic Services Laboratory, University of Chicago
Classification: Likely benign. Last evaluated: 2016-09-21. Review status: criteria provided, single submitter. Criteria: ACMG Guidelines, 2015. Collection method: clinical testing. Allele origin: germline. Affected: no.

Eurofins Ntd Llc (ga)
Classification: Likely benign. Last evaluated: 2015-04-09. Review status: criteria provided, single submitter. Criteria: EGL Classification Definitions 2015. Collection method: clinical testing. Allele origin: germline. Observed: 4 variant alleles, 3 heterozygotes, 1 homozygote.

Literature cited by the submitters: PubMed 25133958 (cited by Athena Diagnostics); PubMed 23352163 (cited by Athena Diagnostics).